The following is an entry in ClinVar:

NM_198722.3(AMIGO3):c.1041G>A (p.Ala347=)

Genes: AMIGO3 (adhesion molecule with Ig like domain 3; minus strand), RNF123 (ring finger protein 123; plus strand). Cytogenetic location: 3p21.31.
Variant type: single nucleotide variant.
Coding change: c.1041G>A on transcript NM_198722.3 (MANE Select); coding-DNA position 1041, G replaced by A.
Protein change: p.Ala347=; no amino-acid change (alanine 347 retained).
Molecular consequence: synonymous variant. On other transcripts: intron variant (1).
Genome position (GRCh38, 1-based): chr3:49,718,425, C>T on the plus strand (G>A on the coding strand, the complement: AMIGO3 is on the minus strand). VCF-style: chr3-49718425-C-T. GRCh37 (hg19) VCF-style: chr3-49755858-C-T.
Other names: c.3500+1948C>T (NM_022064.5).
Identifiers: ClinVar variation 1711575 (VCV001711575.28), dbSNP rs765250301, ClinGen allele CA2404878.

ClinVar aggregate classification (germline): Likely benign (1 of 4 stars; one submission).

Allele frequency attached by ClinVar (database versions not stated): TOPMed below 0.00001; gnomAD exomes 0.00001; ExAC 0.00004.
gnomAD v4.1: 21 of 1,612,934 alleles (0.0013%); highest among the groups gnomAD compares: Middle Eastern, 0.016%; no homozygotes.

Submission:

CeGaT Center for Human Genetics Tuebingen
Classification: Likely benign. Last evaluated: 2022-08-01. Review status: criteria provided, single submitter. Criteria: CeGaT Center For Human Genetics Tuebingen Variant Classification Criteria Version 2. Collection method: clinical testing. Allele origin: germline. Affected: yes. Observed: 1 variant allele.
Comment: AMIGO3: BP4, BP7